The following is an entry in ClinVar:

ClinVar aggregate classification (germline): Pathogenic. Review status: criteria provided, multiple submitters, no conflicts (2 of 4 stars). 2 submissions from 2 submitters: Pathogenic (2). Last evaluated 2025-04-22.

Conditions:
Autosomal recessive limb-girdle muscular dystrophy. Identifiers: Orphanet 102015, MedGen C2931907, MONDO:0015152.
Autosomal recessive limb-girdle muscular dystrophy type 2A (LGMDR1). Also called: Calpainopathy; LEYDEN-MOEBIUS MUSCULAR DYSTROPHY; MUSCULAR DYSTROPHY, PELVOFEMORAL; Limb-girdle muscular dystrophy, type 2A; Muscular dystrophy, limb-girdle, type 2A, Amish. Identifiers: Orphanet 267, MedGen C1869123, MONDO:0009675, OMIM 253600. Disease mechanism: loss of function.

Submissions (2):

Women's Health and Genetics/Laboratory Corporation of America, LabCorp
Classification: Pathogenic for Autosomal recessive limb-girdle muscular dystrophy. Last evaluated: 2025-04-22. Review status: criteria provided, single submitter. Criteria: LabCorp Variant Classification Summary - May 2015. Collection method: clinical testing. Allele origin: germline.
Comment: Variant summary: CAPN3 c.380G>A (p.Gly127Glu) results in a non-conservative amino acid change located in the peptidase C2, calpain, catalytic domain (IPR001300) of the encoded protein sequence. Three of three in-silico tools predict a damaging effect of the variant on protein function. Several computational tools predict a significant impact on normal splicing: Two predict the variant weakens a 3 acceptor site. Two predict the variant no significant impact on splicing. However, these predictions have yet to be confirmed by functional studies. The variant was absent in 251304 control chromosomes. c.380G>A has been reported in the literature in at least one homozygous individual and three compound heterozygous siblings affected with Limb-Girdle Muscular Dystrophy from two unrelated families, both where the variant segregated with disease in an autosomal recessive inheritance pattern (Mojbafan_2016, Mojbafan_2018, Mojbafan_2020). These data indicate that the variant is likely to be associated with disease. To our knowledge, no experimental evidence demonstrating an impact on protein function has been reported. The following publications have been ascertained in the context of this evaluation (PMID: 27262448, 30056071, 31937337, 33337384). ClinVar contains an entry for this variant (Variation ID: 2506065). Based on the evidence outlined above, the variant was classified as pathogenic.

Kariminejad - Najmabadi Pathology & Genetics Center
Classification: Pathogenic for Autosomal recessive limb-girdle muscular dystrophy type 2A. Last evaluated: 2018-01-27. Review status: criteria provided, single submitter. Criteria: ACMG Guidelines, 2015. Collection method: clinical testing. Allele origin: germline. Inheritance: Autosomal recessive inheritance. Affected: yes.
Comment: PM1,PM2,PP3

Literature cited by the submitters: PubMed 33337384 (cited by Women's Health and Genetics/Laboratory Corporation of America, LabCorp); PubMed 27262448 (cited by Women's Health and Genetics/Laboratory Corporation of America, LabCorp); PubMed 30056071 (cited by Women's Health and Genetics/Laboratory Corporation of America, LabCorp); PubMed 31937337 (cited by Women's Health and Genetics/Laboratory Corporation of America, LabCorp).

NM_000070.3(CAPN3):c.380G>A (p.Gly127Glu)

Genes: CAPN3 (calpain 3; plus strand), LOC126862115 (BRD4-independent group 4 enhancer GRCh37_chr15:42677734-42678933; plus strand). Cytogenetic location: 15q15.1.
Variant type: single nucleotide variant.
Coding change: c.380G>A on transcript NM_000070.3 (MANE Select); coding-DNA position 380, G replaced by A.
Protein change: p.Gly127Glu; replaces glycine 127 with glutamic acid.
Molecular consequence: missense variant.
Genome position (GRCh38, 1-based): chr15:42,386,167, G>A. VCF-style: chr15-42386167-G-A. GRCh37 (hg19) VCF-style: chr15-42678365-G-A.
Other names: c.380G>A, p.Gly127Glu (NM_024344.2, NM_173087.2); c.119G>A, p.Gly40Glu (NM_212464.2); c.*73G>A (NM_212467.2); short protein forms G127E, G40E.
Identifiers: ClinVar variation 2506065 (VCV002506065.4), dbSNP rs2548255674, ClinGen allele CA391997463.